The following is an entry in ClinVar:

NM_006950.3(SYN1):c.1159-2A>G

Gene: SYN1 (synapsin I; minus strand). Cytogenetic location: Xp11.3.
Variant type: single nucleotide variant.
Coding change: c.1159-2A>G on transcript NM_006950.3 (MANE Select); the canonical splice acceptor site of the intron before coding-DNA position 1159, A replaced by G.
Molecular consequence: splice acceptor variant.
Genome position (GRCh38, 1-based): chrX:47,575,276, T>C on the plus strand (A>G on the coding strand, the complement: SYN1 is on the minus strand). VCF-style: chrX-47575276-T-C. GRCh37 (hg19) VCF-style: chrX-47434675-T-C.
Other names: c.1159-2A>G (NM_133499.2).
Identifiers: ClinVar variation 2006060 (VCV002006060.4), dbSNP rs2519685971, ClinGen allele CA412825989.

ClinVar aggregate classification (germline): Likely pathogenic (1 of 4 stars; one submission).

Conditions:
Epilepsy, X-linked 1, with variable learning disabilities and behavior disorders. Also called: X-linked epilepsy-learning disabilities-behavior disorders syndrome. Identifiers: Orphanet 85294, MedGen C5774177, MONDO:0010339, OMIM 300491.

Submission:

Labcorp Genetics (formerly Invitae), Labcorp
Classification: Likely pathogenic for Epilepsy, X-linked 1, with variable learning disabilities and behavior disorders. Last evaluated: 2022-06-14. Review status: criteria provided, single submitter. Criteria: Invitae Variant Classification Sherloc (09022015). Collection method: clinical testing. Allele origin: germline.
Comment: In summary, the currently available evidence indicates that the variant is pathogenic, but additional data are needed to prove that conclusively. Therefore, this variant has been classified as Likely Pathogenic. Algorithms developed to predict the effect of sequence changes on RNA splicing suggest that this variant may disrupt the consensus splice site. This variant has not been reported in the literature in individuals affected with SYN1-related conditions. This variant is not present in population databases (gnomAD no frequency). This sequence change affects an acceptor splice site in intron 9 of the SYN1 gene. It is expected to disrupt RNA splicing. Variants that disrupt the donor or acceptor splice site typically lead to a loss of protein function (PMID: 16199547), and loss-of-function variants in SYN1 are known to be pathogenic (PMID: 14985377, 21441247).

Literature cited by the submitters: PubMed 16199547; PubMed 14985377; PubMed 21441247.